The following is an entry in ClinVar:

NC_000009.12:g.35658032_35658033insTCGTCCTCAGCTTC

Gene: RMRP (RNA component of mitochondrial RNA processing endoribonuclease; minus strand). Cytogenetic location: 9p13.3.
Variant type: Insertion.
Genome position: GRCh38 VCF-style: chr9-35658019-A-ACGTCCTCAGCTTCT. GRCh37 (hg19) VCF-style: chr9-35658016-A-ACGTCCTCAGCTTCT.
Identifiers: ClinVar variation 2787651 (VCV002787651.3), dbSNP rs1554651400, ClinGen allele CA2739269239.

ClinVar aggregate classification (germline): Pathogenic (1 of 4 stars; one submission).

Conditions:
Anauxetic dysplasia. Identifiers: Orphanet 93347, MedGen C1846796, MONDO:0011773.

Submission:

Labcorp Genetics (formerly Invitae), Labcorp
Classification: Pathogenic for Anauxetic dysplasia. Last evaluated: 2023-06-13. Review status: criteria provided, single submitter. Criteria: Invitae Variant Classification Sherloc (09022015). Collection method: clinical testing. Allele origin: germline.
Comment: This variant occurs in the RMRP gene, which encodes an RNA molecule that does not result in a protein product. This variant is not present in population databases (gnomAD no frequency). While this particular variant has not been reported in the literature, it is located in the promoter region between the TATA box and the transcription initiation site, and other insertions and duplications immediately upstream of the coding sequence have been reported in individuals affected with cartilage-hair hypoplasia-anauxetic dysplasia (CHH-AD) spectrum disorders (PMID: 16244706, 11207361, 12107819). While functional studies for this variant have not been reported, experimental analyses using patient derived cells, as well as in vitro transfection studies, have shown that promoter insertions result in silencing of RMRP transcription and reduced expression of the gene product (PMID: 11207361, 16254002). For these reasons, this variant has been classified as Pathogenic.

Literature cited by the submitters: PubMed 16244706; PubMed 11207361; PubMed 12107819; PubMed 16254002.